The following is an entry in ClinVar:

NM_000124.4(ERCC6):c.725C>G (p.Thr242Ser)

Gene: ERCC6 (ERCC excision repair 6, chromatin remodeling factor; minus strand). Cytogenetic location: 10q11.23.
Variant type: single nucleotide variant.
Coding change: c.725C>G on transcript NM_000124.4 (MANE Select); coding-DNA position 725, C replaced by G.
Protein change: p.Thr242Ser; replaces threonine 242 with serine.
Molecular consequence: missense variant.
Genome position (GRCh38, 1-based): chr10:49,524,705, G>C on the plus strand (C>G on the coding strand, the complement: ERCC6 is on the minus strand). VCF-style: chr10-49524705-G-C. GRCh37 (hg19) VCF-style: chr10-50732751-G-C.
Other names: c.725C>G, p.Thr242Ser (NM_001277058.2, NM_001277059.2, NM_001346440.2); short protein forms T242S.
Identifiers: ClinVar variation 1405480 (VCV001405480.6), dbSNP rs1837269364, ClinGen allele CA376755241.
Genomic context (GRCh38, chr10:49,524,705, plus strand): 5'-TTTCTGGGCTTTTTCTCCTGTTTCTGAGGGATCTGGGTACCAAAAGGTGTCATCTGGCCA[G>C]TGCGGATGAGCTCTTCCCAGGCAGTCTCCTGGACAGGCATGAGCATGCTGCCAAGACTGG-3'
Protein context (NP_000115.1, residues 232-252): QETAWEELIR[Thr242Ser]GQMTPFGTQI

ClinVar aggregate classification (germline): Uncertain significance (1 of 4 stars; one submission).

Submission:

Labcorp Genetics (formerly Invitae), Labcorp
Classification: Uncertain significance. Last evaluated: 2021-09-24. Review status: criteria provided, single submitter. Criteria: Invitae Variant Classification Sherloc (09022015). Collection method: clinical testing. Allele origin: germline.
Comment: This sequence change replaces threonine with serine at codon 242 of the ERCC6 protein (p.Thr242Ser). The threonine residue is highly conserved and there is a small physicochemical difference between threonine and serine. This variant is not present in population databases (ExAC no frequency). This variant has not been reported in the literature in individuals affected with ERCC6-related conditions. Algorithms developed to predict the effect of missense changes on protein structure and function (SIFT, PolyPhen-2, Align-GVGD) all suggest that this variant is likely to be disruptive. In summary, the available evidence is currently insufficient to determine the role of this variant in disease. Therefore, it has been classified as a Variant of Uncertain Significance.